The following is an entry in ClinVar:

NM_000217.3(KCNA1):c.1430A>G (p.Asn477Ser)

Gene: KCNA1 (potassium voltage-gated channel subfamily A member 1; plus strand). Cytogenetic location: 12p13.32.
Variant type: single nucleotide variant.
Coding change: c.1430A>G on transcript NM_000217.3 (MANE Select); coding-DNA position 1430, A replaced by G.
Protein change: p.Asn477Ser; replaces asparagine 477 with serine.
Molecular consequence: missense variant.
Genome position (GRCh38, 1-based): chr12:4,912,808, A>G. VCF-style: chr12-4912808-A-G. GRCh37 (hg19) VCF-style: chr12-5021974-A-G.
Other names: short protein forms N477S.
Identifiers: ClinVar variation 1349811 (VCV001349811.8), dbSNP rs1222837086, ClinGen allele CA383456766.
Genomic context (GRCh38, chr12:4,912,808, plus strand): 5'-TCGAAGAGGATATGAATAATAGCATAGCCCATTATAGACAGGTCAATATCAGAACTGCCA[A>G]TTGCACCACTGCTAACCAAAACTGCGTTAATAAGAGCAAGCTACTGACCGATGTTTAAAA-3'
Protein context (NP_000208.2, residues 467-487): HYRQVNIRTA[Asn477Ser]CTTANQNCVN

ClinVar aggregate classification (germline): Uncertain significance. Review status: criteria provided, multiple submitters, no conflicts (2 of 4 stars). 2 submissions from 2 submitters: Uncertain significance (2). Last evaluated 2025-06-22.

Conditions:
Episodic ataxia type 1 (EA1). Also called: ATAXIA, EPISODIC, WITH MYOKYMIA; MYOKYMIA WITH PERIODIC ATAXIA; PAROXYSMAL ATAXIA WITH NEUROMYOTONIA, HEREDITARY; Episodic ataxia/myokymia syndrome. Identifiers: Orphanet 37612, Orphanet 972, MedGen C1719788, MONDO:0008047, OMIM 160120.

Allele frequency attached by ClinVar (database versions not stated): gnomAD exomes below 0.00001; TOPMed below 0.00001.
gnomAD v4.1: 13 of 1,614,178 alleles (0.00081%); highest among the groups gnomAD compares: Middle Eastern, 0.016%; no homozygotes.

Submissions (2):

Labcorp Genetics (formerly Invitae), Labcorp
Classification: Uncertain significance for Episodic ataxia type 1. Last evaluated: 2025-06-22. Review status: criteria provided, single submitter. Criteria: Invitae Variant Classification Sherloc (09022015). Collection method: clinical testing. Allele origin: germline.
Comment: This sequence change replaces asparagine, which is neutral and polar, with serine, which is neutral and polar, at codon 477 of the KCNA1 protein (p.Asn477Ser). This variant is present in population databases (no rsID available, gnomAD 0.0009%). This variant has not been reported in the literature in individuals affected with KCNA1-related conditions. ClinVar contains an entry for this variant (Variation ID: 1349811). Invitae Evidence Modeling of protein sequence and biophysical properties (such as structural, functional, and spatial information, amino acid conservation, physicochemical variation, residue mobility, and thermodynamic stability) has been performed for this missense variant. However, the output from this modeling did not meet the statistical confidence thresholds required to predict the impact of this variant on KCNA1 protein function. In summary, the available evidence is currently insufficient to determine the role of this variant in disease. Therefore, it has been classified as a Variant of Uncertain Significance.

Fulgent Genetics
Classification: Uncertain significance for Episodic ataxia type 1. Last evaluated: 2024-04-17. Review status: criteria provided, single submitter. Criteria: ACMG Guidelines, 2015. Collection method: clinical testing. Allele origin: germline.